The following is an entry in ClinVar:

NM_000548.5(TSC2):c.4614A>G (p.Pro1538=)

Gene: TSC2 (TSC complex subunit 2; plus strand). Cytogenetic location: 16p13.3.
Variant type: single nucleotide variant.
Coding change: c.4614A>G on transcript NM_000548.5 (MANE Select); coding-DNA position 4614, A replaced by G.
Protein change: p.Pro1538=; no amino-acid change (proline 1538 retained).
Molecular consequence: synonymous variant.
Genome position (GRCh38, 1-based): chr16:2,085,274, A>G. VCF-style: chr16-2085274-A-G. GRCh37 (hg19) VCF-style: chr16-2135275-A-G.
Other names: c.4413A>G, p.Pro1471= (NM_001077183.3); c.4545A>G, p.Pro1515= (NM_001114382.3); c.4305A>G, p.Pro1435= (NM_001318827.2); c.4269A>G, p.Pro1423= (NM_001318829.2); c.3882A>G, p.Pro1294= (NM_001318831.2); c.4446A>G, p.Pro1482= (NM_001318832.2); c.4416A>G, p.Pro1472= (NM_001363528.2); c.4482A>G, p.Pro1494= (NM_001370404.1); and 1 more.
Identifiers: ClinVar variation 536074 (VCV000536074.14), dbSNP rs1382897280, ClinGen allele CA492958236.
Genomic context (GRCh38, chr16:2,085,274, plus strand): 5'-GCTCTGTGTGCCACAGTCACAGTCCTTTGAGCGGTCGGTGCAGCTCCTCGACCAGATCCC[A>G]TCATACGACACCCACAAGATCGCCGTCCTGTATGTTGGAGAAGGCCAGGTGAGGCTGCGG-3'
Protein context (NP_000539.2, residues 1528-1548): ERSVQLLDQI[Pro1538=]SYDTHKIAVL

ClinVar aggregate classification (germline): Benign/Likely benign. Review status: criteria provided, multiple submitters, no conflicts (2 of 4 stars). 3 submissions from 3 submitters: Benign (1); Likely benign (2). Last evaluated 2025-06-04.

Conditions:
Tuberous sclerosis 2 (TSC2). Identifiers: Orphanet 805, MedGen C1860707, MONDO:0013199, OMIM 613254.
Hereditary cancer-predisposing syndrome. Also called: Neoplastic Syndromes, Hereditary; Tumor predisposition; Hereditary Cancer Syndrome; Hereditary neoplastic syndrome. Identifiers: Orphanet 140162, MedGen C0027672, MeSH D009386, MONDO:0015356.

Allele frequency attached by ClinVar (database versions not stated): gnomAD exomes below 0.00001; gnomAD 0.00001; TOPMed 0.00001.
gnomAD v4.1: 4 of 1,612,634 alleles (0.00025%); highest among the groups gnomAD compares: South Asian, 0.0011%; no homozygotes.

Submissions (3):

Myriad Genetics, Inc.
Classification: Benign for Tuberous sclerosis 2. Last evaluated: 2025-06-04. Review status: criteria provided, single submitter. Criteria: Myriad Autosomal Dominant, Autosomal Recessive and X-Linked Classification Criteria (2023). Collection method: clinical testing. Allele origin: unknown.
Comment: This variant is considered benign. This variant is a silent/synonymous amino acid change and it is not expected to impact splicing.

Labcorp Genetics (formerly Invitae), Labcorp
Classification: Likely benign for Tuberous sclerosis 2. Last evaluated: 2025-06-02. Review status: criteria provided, single submitter. Criteria: Invitae Variant Classification Sherloc (09022015). Collection method: clinical testing. Allele origin: germline.

Ambry Genetics
Classification: Likely benign for Hereditary cancer-predisposing syndrome. Last evaluated: 2022-11-17. Review status: criteria provided, single submitter. Criteria: Ambry Variant Classification Scheme 2023. Collection method: clinical testing. Allele origin: germline.